The following is an entry in ClinVar:

NM_004985.5(KRAS):c.437C>T (p.Ala146Val)

Gene: KRAS (KRas proto-oncogene, GTPase; minus strand). Cytogenetic location: 12p12.1.
Variant type: single nucleotide variant.
Coding change: c.437C>T on transcript NM_004985.5 (MANE Select); coding-DNA position 437, C replaced by T.
Protein change: p.Ala146Val; replaces alanine 146 with valine.
Molecular consequence: missense variant.
Genome position (GRCh38, 1-based): chr12:25,225,627, G>A on the plus strand (C>T on the coding strand, the complement: KRAS is on the minus strand). VCF-style: chr12-25225627-G-A. GRCh37 (hg19) VCF-style: chr12-25378561-G-A.
Other names: c.437C>T, p.Ala146Val (NM_001369786.1, NM_001369787.1, NM_033360.4); c.437C>T (NM_004985.4); short protein forms A146V.
Identifiers: ClinVar variation 375962 (VCV000375962.19), dbSNP rs1057519725, ClinGen allele CA16602440.

ClinVar aggregate classification (germline): Pathogenic/Likely pathogenic. Review status: criteria provided, multiple submitters, no conflicts (2 of 4 stars). 9 submissions from 9 submitters: Pathogenic (2); Likely pathogenic (3). 4 of the submissions do not count toward it. Last evaluated 2026-05-28.

Conditions:
OCULOECTODERMAL SYNDROME, SOMATIC.
Malignant tumor of urinary bladder. Also called: Urinary bladder cancer; Bladder cancer; Urinary Bladder Neoplasms. Identifiers: MedGen C0005684, MONDO:0001187, OMIM 109800.
Encephalocraniocutaneous lipomatosis (ECCL). Identifiers: Orphanet 2396, MedGen C0406612, MONDO:0013074, OMIM 613001.
Familial pancreatic carcinoma. Identifiers: Orphanet 1333, MedGen C2931038, MONDO:0015278, OMIM 260350.
KRAS-related disorder. Also called: KRAS-related disorders; KRAS-related condition.
RASopathy. Also called: rasopathies; Noonan spectrum disorder. Identifiers: Orphanet 536391, MedGen C5555857, MONDO:0021060.

Allele frequency attached by ClinVar (database versions not stated): gnomAD 0.00001; gnomAD exomes below 0.00001; TOPMed below 0.00001.
gnomAD v4.1: 5 of 1,612,722 alleles (0.00031%); highest among the groups gnomAD compares: Non-Finnish European, 0.00034%; no homozygotes.

Submissions (9):

PreventionGenetics, part of Exact Sciences
Classification: Likely pathogenic for KRAS-related condition. Last evaluated: 2026-05-28. Review status: criteria provided, single submitter. Criteria: ACMG Guidelines, 2015. Collection method: clinical testing. Allele origin: germline.
Comment: The KRAS c.437C>T variant is predicted to result in the amino acid substitution p.Ala146Val. This variant has been reported as a somatic mosaic finding in individuals with oculoectodermal syndrome (Boppudi et al. 2016. PubMed ID: 26970110; Chacon-Camacho et al. 2019. PubMed ID: 30891959) and colon cancer (Seol et al. 2018. PubMed ID: 30448735). This variant has not been reported in a large population database (gnomAD), indicating this variant is rare, and it is consistently classified as pathogenic/likely pathogenic in the ClinVar database (Variation ID: 375962). An alternate missense change impacting the same amino acid (p.Ala146Thr) has been reported as a somatic mosaic finding in individuals with encephalocraniocutaneous lipomatosis (McDonell et al. 2018. PubMed ID: 30289595) and oculoectodermal syndrome (Boppudi et al. 2016. PubMed ID: 26970110). Taken together, the c.437C>T (p.Ala146Val) variant is interpreted as likely pathogenic.

CeGaT Center for Human Genetics Tuebingen
Classification: Likely pathogenic. Last evaluated: 2026-01-01. Review status: criteria provided, single submitter. Criteria: CeGaT Center For Human Genetics Tuebingen Variant Classification Criteria Version 2. Collection method: clinical testing. Allele origin: germline. Affected: yes. Observed: 1 variant allele.
Comment: KRAS: PM2, PM5, PP3, PS2:Supporting

Labcorp Genetics (formerly Invitae), Labcorp
Classification: Pathogenic for RASopathy. Last evaluated: 2025-06-06. Review status: criteria provided, single submitter. Criteria: Invitae Variant Classification Sherloc (09022015). Collection method: clinical testing. Allele origin: germline.
Comment: This sequence change replaces alanine, which is neutral and non-polar, with valine, which is neutral and non-polar, at codon 146 of the KRAS protein (p.Ala146Val). This variant is not present in population databases (gnomAD no frequency). This missense change has been observed in individuals with mosaic RASopathy (PMID: 26970110, 30891959). ClinVar contains an entry for this variant (Variation ID: 375962). Invitae Evidence Modeling of protein sequence and biophysical properties (such as structural, functional, and spatial information, amino acid conservation, physicochemical variation, residue mobility, and thermodynamic stability) indicates that this missense variant is expected to disrupt KRAS protein function with a positive predictive value of 95%. Experimental studies have shown that this missense change affects KRAS function (PMID: 30448735). This variant disrupts the p.Ala146 amino acid residue in KRAS. Other variant(s) that disrupt this residue have been determined to be pathogenic (internal data). This suggests that this residue is clinically significant, and that variants that disrupt this residue are likely to be disease-causing. For these reasons, this variant has been classified as Pathogenic.

Genomic Medicine Center of Excellence, King Faisal Specialist Hospital and Research Centre
Classification: Likely pathogenic for Familial pancreatic carcinoma. Last evaluated: 2024-09-22. Review status: criteria provided, single submitter. Criteria: ACMG Guidelines, 2015. Collection method: clinical testing. Allele origin: germline.

Blueprint Genetics
Classification: Pathogenic for KRAS-related disorders. Last evaluated: 2023-05-29. Review status: criteria provided, single submitter. Criteria: ACMG Guidelines, 2015. Collection method: clinical testing. Allele origin: germline. Affected: yes. Observed: 3 variant alleles.

OMIM
Classification: Pathogenic for OCULOECTODERMAL SYNDROME, SOMATIC. Last evaluated: 2022-03-09. Review status: no assertion criteria provided. Collection method: literature only. Allele origin: somatic. Not counted in ClinVar's aggregate classification.

GeneReviews
No classification provided. Condition: Encephalocraniocutaneous lipomatosis. Review status: no classification provided. Collection method: literature only. Allele origin: somatic. Not counted in ClinVar's aggregate classification.

Laboratory of Urology, Hospital Clinic de Barcelona
Classification: Pathogenic for Malignant tumor of urinary bladder. Review status: no assertion criteria provided. Collection method: research. Allele origin: somatic. Affected: yes. Not counted in ClinVar's aggregate classification.

Institute of Human Genetics, Clinical Exome/Genome Diagnostics Group, University Hospital Bonn
Classification: Uncertain significance. Last evaluated: 2023-11-14. Review status: flagged submission. Criteria: ACMG Guidelines, 2015. Collection method: clinical testing. Allele origin: somatic. Not counted in ClinVar's aggregate classification.
ClinVar note: Reason: Outlier claim with insufficient supporting evidence

Literature cited by the submitters: PubMed 26970110 (cited by 3 submitters); PubMed 30891959 (cited by Labcorp Genetics (formerly Invitae), Labcorp and OMIM); PubMed 30448735 (cited by Labcorp Genetics (formerly Invitae), Labcorp); NCBI Bookshelf NBK576966 (cited by GeneReviews).